The following is an entry in ClinVar:

NM_015102.5(NPHP4):c.4028G>A (p.Gly1343Glu)

Gene: NPHP4 (nephrocystin 4; minus strand). Cytogenetic location: 1p36.31.
Variant type: single nucleotide variant.
Coding change: c.4028G>A on transcript NM_015102.5 (MANE Select); coding-DNA position 4028, G replaced by A.
Protein change: p.Gly1343Glu; replaces glycine 1343 with glutamic acid.
Molecular consequence: missense variant. On other transcripts: non-coding transcript variant (1).
Genome position (GRCh38, 1-based): chr1:5,864,002, C>T on the plus strand (G>A on the coding strand, the complement: NPHP4 is on the minus strand). VCF-style: chr1-5864002-C-T. GRCh37 (hg19) VCF-style: chr1-5924062-C-T.
Other names: c.2489G>A, p.Gly830Glu (NM_001291593.2); c.2492G>A, p.Gly831Glu (NM_001291594.2); short protein forms G831E, G1343E, G830E.
Identifiers: ClinVar variation 860396 (VCV000860396.11), dbSNP rs1350286134, ClinGen allele CA338049185.
Genomic context (GRCh38, chr1:5,864,002, plus strand): 5'-TGGAATGTCCTCCGGGAGGGGTAGGGGTTGGTGTAGGTGATCCTCTTGTTGACACCCTTC[C>T]CTTCGCCCGCAGCCAACATGATCTCAAAGGCCTGTGGAGGGAGGGGACAGGGAGACGCTG-3'
Protein context (NP_055917.1, residues 1333-1353): AFEIMLAAGE[Gly1343Glu]KGVNKRITYT

ClinVar aggregate classification (germline): Uncertain significance (1 of 4 stars; one submission).

Conditions:
Nephronophthisis. Also called: Juvenile Nephronophthisis. Identifiers: Orphanet 655, MedGen C0687120, MONDO:0019005, HP:0000090.

Submission:

Labcorp Genetics (formerly Invitae), Labcorp
Classification: Uncertain significance for Nephronophthisis. Last evaluated: 2024-08-30. Review status: criteria provided, single submitter. Criteria: Invitae Variant Classification Sherloc (09022015). Collection method: clinical testing. Allele origin: germline.
Comment: This sequence change replaces glycine, which is neutral and non-polar, with glutamic acid, which is acidic and polar, at codon 1343 of the NPHP4 protein (p.Gly1343Glu). This variant is not present in population databases (gnomAD no frequency). This variant has not been reported in the literature in individuals affected with NPHP4-related conditions. ClinVar contains an entry for this variant (Variation ID: 860396). Invitae Evidence Modeling of protein sequence and biophysical properties (such as structural, functional, and spatial information, amino acid conservation, physicochemical variation, residue mobility, and thermodynamic stability) indicates that this missense variant is expected to disrupt NPHP4 protein function with a positive predictive value of 80%. In summary, the available evidence is currently insufficient to determine the role of this variant in disease. Therefore, it has been classified as a Variant of Uncertain Significance.